The following is an entry in ClinVar:

NM_001042492.3(NF1):c.916G>T (p.Ala306Ser)

Gene: NF1 (neurofibromin 1; plus strand). Cytogenetic location: 17q11.2.
Variant type: single nucleotide variant.
Coding change: c.916G>T on transcript NM_001042492.3 (MANE Select); coding-DNA position 916, G replaced by T.
Protein change: p.Ala306Ser; replaces alanine 306 with serine.
Molecular consequence: missense variant.
Genome position (GRCh38, 1-based): chr17:31,200,449, G>T. VCF-style: chr17-31200449-G-T. GRCh37 (hg19) VCF-style: chr17-29527467-G-T.
Other names: c.916G>T, p.Ala306Ser (NM_000267.4, NM_001128147.3); short protein forms A306S.
Identifiers: ClinVar variation 3879005 (VCV003879005.1).

ClinVar aggregate classification (germline): Uncertain significance (1 of 4 stars; one submission).

Conditions:
Cardiovascular phenotype. Identifiers: MedGen CN230736.
Hereditary cancer-predisposing syndrome. Also called: Tumor predisposition; Neoplastic Syndromes, Hereditary; Hereditary Cancer Syndrome; Hereditary neoplastic syndrome. Identifiers: Orphanet 140162, MedGen C0027672, MeSH D009386, MONDO:0015356.

Submission:

Ambry Genetics
Classification: Uncertain significance for Cardiovascular phenotype; Hereditary cancer-predisposing syndrome. Last evaluated: 2024-12-19. Review status: criteria provided, single submitter. Criteria: Ambry Variant Classification Scheme 2023. Collection method: clinical testing. Allele origin: germline.
Comment: The p.A306S variant (also known as c.916G>T), located in coding exon 9 of the NF1 gene, results from a G to T substitution at nucleotide position 916. The alanine at codon 306 is replaced by serine, an amino acid with similar properties. This amino acid position is conserved. In addition, the in silico prediction for this alteration is inconclusive. Based on the available evidence, the clinical significance of this variant remains unclear.